The following is an entry in ClinVar:

NM_015259.6(ICOSLG):c.604G>A (p.Val202Met)

Gene: ICOSLG (inducible T cell costimulator ligand; minus strand). Cytogenetic location: 21q22.3.
Variant type: single nucleotide variant.
Coding change: c.604G>A on transcript NM_015259.6 (MANE Select); coding-DNA position 604, G replaced by A.
Protein change: p.Val202Met; replaces valine 202 with methionine.
Molecular consequence: missense variant.
Genome position (GRCh38, 1-based): chr21:44,235,365, C>T on the plus strand (G>A on the coding strand, the complement: ICOSLG is on the minus strand). VCF-style: chr21-44235365-C-T. GRCh37 (hg19) VCF-style: chr21-45655248-C-T.
Other names: c.604G>A, p.Val202Met (NM_001283050.2); c.253G>A, p.Val85Met (NM_001283051.2); c.349G>A, p.Val117Met (NM_001283052.2); c.523G>A, p.Val175Met (NM_001365759.2); short protein forms V175M, V117M, V202M, V85M.
Identifiers: ClinVar variation 1491425 (VCV001491425.8), dbSNP rs533193731, ClinGen allele CA321497135.

ClinVar aggregate classification (germline): Uncertain significance (1 of 4 stars; one submission).

Allele frequency attached by ClinVar (database versions not stated): gnomAD exomes 0.00006; ExAC 0.00014; 1000 Genomes Project 0.00020.

Submission:

Labcorp Genetics (formerly Invitae), Labcorp
Classification: Uncertain significance. Last evaluated: 2025-10-19. Review status: criteria provided, single submitter. Criteria: Invitae Variant Classification Sherloc (09022015). Collection method: clinical testing. Allele origin: germline.
Comment: This sequence change replaces valine, which is neutral and non-polar, with methionine, which is neutral and non-polar, at codon 202 of the ICOSLG protein (p.Val202Met). This variant is present in population databases (rs533193731, gnomAD 0.05%). This variant has not been reported in the literature in individuals affected with ICOSLG-related conditions. ClinVar contains an entry for this variant (Variation ID: 1491425). An algorithm developed to predict the effect of missense changes on protein structure and function (PolyPhen-2) suggests that this variant is likely to be disruptive. In summary, the available evidence is currently insufficient to determine the role of this variant in disease. Therefore, it has been classified as a Variant of Uncertain Significance.